The following is an entry in ClinVar:

ClinVar aggregate classification (germline): Likely benign. Review status: criteria provided, multiple submitters, no conflicts (2 of 4 stars). 3 submissions from 3 submitters: Likely benign (3). Last evaluated 2024-11-21.

Conditions:
Hereditary breast ovarian cancer syndrome. Also called: Hereditary breast and ovarian cancer syndrome (HBOC); Hereditary breast and ovarian cancer syndrome; Breast and ovarian cancer; BRCA1- and BRCA2-Associated Hereditary Breast and Ovarian Cancer; Hereditary breast and ovarian cancer; Hereditary breast and/or ovarian cancer syndrome. Identifiers: Orphanet 145, MedGen C0677776, MeSH D061325, MONDO:0003582. Disease mechanism: loss of function.
BRCA1-related cancer predisposition. Identifiers: MedGen CN377757, MONDO:0700268.
Hereditary cancer-predisposing syndrome. Also called: Neoplastic Syndromes, Hereditary; Hereditary Cancer Syndrome; Hereditary neoplastic syndrome; Tumor predisposition. Identifiers: Orphanet 140162, MedGen C0027672, MeSH D009386, MONDO:0015356.

Allele frequency attached by ClinVar (database versions not stated): gnomAD exomes below 0.00001.
gnomAD v4.1: 1 of 1,614,076 alleles (0.000062%); highest among the groups gnomAD compares: African/African-American, 0.0013%; no homozygotes.

Submissions (3):

Labcorp Genetics (formerly Invitae), Labcorp
Classification: Likely benign for Hereditary breast ovarian cancer syndrome. Last evaluated: 2024-11-21. Review status: criteria provided, single submitter. Criteria: Invitae Variant Classification Sherloc (09022015). Collection method: clinical testing. Allele origin: germline.

All of Us Research Program, National Institutes of Health
Classification: Likely benign for BRCA1-related cancer predisposition. Last evaluated: 2024-05-14. Review status: criteria provided, single submitter. Criteria: ACMG Guidelines, 2015. Collection method: clinical testing. Allele origin: germline. Inheritance: Autosomal dominant inheritance. Observed: 2 variant alleles, 2 heterozygotes.
Comment: This study involves interpretation of variants in research participants for the purpose of population health screening. Participant phenotype was not available at the time of variant classification. Additional details can be found in publication PMID: 35346344, PMCID: PMC8962531

Ambry Genetics
Classification: Likely benign for Hereditary cancer-predisposing syndrome. Last evaluated: 2016-08-29. Review status: criteria provided, single submitter. Criteria: Ambry Variant Classification Scheme 2023. Collection method: clinical testing. Allele origin: germline.

NM_007294.4(BRCA1):c.1404G>A (p.Lys468=)

Gene: BRCA1 (BRCA1 DNA repair associated; minus strand). Cytogenetic location: 17q21.31.
Variant type: single nucleotide variant.
Coding change: c.1404G>A on transcript NM_007294.4 (MANE Select); coding-DNA position 1404, G replaced by A.
Protein change: p.Lys468=; no amino-acid change (lysine 468 retained).
Molecular consequence: synonymous variant. On other transcripts: intron variant (137).
Genome position (GRCh38, 1-based): chr17:43,094,127, C>T on the plus strand (G>A on the coding strand, the complement: BRCA1 is on the minus strand). VCF-style: chr17-43094127-C-T. GRCh37 (hg19) VCF-style: chr17-41246144-C-T.
Other names: c.1263G>A, p.Lys421= (NM_001407738.1, NM_001407739.1, NM_001407750.1 and 29 more transcripts); c.1260G>A, p.Lys420= (NM_001407740.1, NM_001407741.1, NM_001407742.1 and 20 more transcripts); c.1191G>A, p.Lys397= (NM_001407853.1, NM_001407894.1, NM_001407895.1 and 9 more transcripts); c.1404G>A, p.Lys468= (NM_001407854.1, NM_001407858.1, NM_001407859.1 and 30 more transcripts); c.1401G>A, p.Lys467= (NM_001407860.1, NM_001407861.1, NM_001407587.1 and 22 more transcripts); c.1203G>A, p.Lys401= (NM_001407862.1); c.1281G>A, p.Lys427= (NM_001407863.1, NM_001407919.1, NM_001407937.1 and 19 more transcripts); c.1200G>A, p.Lys400= (NM_001407874.1, NM_001407875.1); and 40 more.
Identifiers: ClinVar variation 479228 (VCV000479228.19), dbSNP rs1555591782, ClinGen allele CA500233264.